The following is an entry in ClinVar:

NM_014249.4(NR2E3):c.304G>T (p.Ala102Ser)

Gene: NR2E3 (nuclear receptor subfamily 2 group E member 3; plus strand). Cytogenetic location: 15q23.
Variant type: single nucleotide variant.
Coding change: c.304G>T on transcript NM_014249.4 (MANE Select); coding-DNA position 304, G replaced by T.
Protein change: p.Ala102Ser; replaces alanine 102 with serine.
Molecular consequence: missense variant.
Genome position (GRCh38, 1-based): chr15:71,811,824, G>T. VCF-style: chr15-71811824-G-T. GRCh37 (hg19) VCF-style: chr15-72104164-G-T.
Other names: c.304G>T, p.Ala102Ser (NM_016346.4); short protein forms A102S.
Identifiers: ClinVar variation 999611 (VCV000999611.4), dbSNP rs534220505, ClinGen allele CA7640279.

ClinVar aggregate classification (germline): Uncertain significance. Review status: criteria provided, multiple submitters, no conflicts (2 of 4 stars). 3 submissions from 3 submitters: Uncertain significance (2). 1 of the submissions does not count toward it. Last evaluated 2025-07-28.

Conditions:
Enhanced S-cone syndrome (ESCS). Identifiers: Orphanet 53540, MedGen C1849394, MONDO:0100288, MONDO:0009989.
ENHANCED S-CONE SYNDROME 1 (ESCS1). Also called: RETINOSCHISIS WITH EARLY HEMERALOPIA; FAVRE HYALOIDEORETINAL DEGENERATION. Identifiers: MedGen CN380299, OMIM 268100.

Allele frequency attached by ClinVar (database versions not stated): TOPMed below 0.00001; gnomAD exomes 0.00001 and 0.00003; gnomAD 0.00002 and 0.00003; ExAC 0.00006; 1000 Genomes Project 30x 0.00016; 1000 Genomes Project 0.00020.

Submissions (3):

Myriad Genetics, Inc.
Classification: Uncertain significance for ENHANCED S-CONE SYNDROME 1. Last evaluated: 2025-07-28. Review status: criteria provided, single submitter. Criteria: Myriad Autosomal Dominant, Autosomal Recessive and X-Linked Classification Criteria (2023). Collection method: clinical testing. Allele origin: unknown.
Comment: NM_014249.2(NR2E3):c.304G>T(A102S) is a missense variant classified as a variant of uncertain significance in the context of enhanced S-cone syndrome. A102S has not been observed in cases with relevant disease. Relevant functional assessments of this variant are not available in the literature. A102S has been observed in referenced population frequency databases. In summary, there is insufficient evidence to classify NM_014249.2(NR2E3):c.304G>T(A102S) as pathogenic or benign. Please note: this variant was assessed in the context of healthy population screening.

Labcorp Genetics (formerly Invitae), Labcorp
Classification: Uncertain significance. Last evaluated: 2020-09-09. Review status: criteria provided, single submitter. Criteria: Invitae Variant Classification Sherloc (09022015). Collection method: clinical testing. Allele origin: germline.
Comment: This sequence change replaces alanine with serine at codon 102 of the NR2E3 protein (p.Ala102Ser). The alanine residue is highly conserved and there is a moderate physicochemical difference between alanine and serine. This variant is present in population databases (rs534220505, ExAC 1.7%). This variant has not been reported in the literature in individuals with NR2E3-related conditions. Experimental studies and prediction algorithms are not available or were not evaluated, and the functional significance of this variant is currently unknown. In summary, the available evidence is currently insufficient to determine the role of this variant in disease. Therefore, it has been classified as a Variant of Uncertain Significance.

Natera, Inc.
Classification: Uncertain significance for Enhanced S cone syndrome. Last evaluated: 2020-08-26. Review status: no assertion criteria provided. Collection method: clinical testing. Allele origin: germline. Not counted in ClinVar's aggregate classification.